The following is an entry in ClinVar:

NM_004333.6(BRAF):c.90C>G (p.Gly30=)

Gene: BRAF (B-Raf proto-oncogene, serine/threonine kinase; minus strand). Cytogenetic location: 7q34.
Variant type: single nucleotide variant.
Coding change: c.90C>G on transcript NM_004333.6 (MANE Select); coding-DNA position 90, C replaced by G.
Protein change: p.Gly30=; no amino-acid change (glycine 30 retained).
Molecular consequence: synonymous variant.
Genome position (GRCh38, 1-based): chr7:140,924,614, G>C on the plus strand (C>G on the coding strand, the complement: BRAF is on the minus strand). VCF-style: chr7-140924614-G-C. GRCh37 (hg19) VCF-style: chr7-140624414-G-C.
Other names: c.90C>G, p.Gly30= (NM_001354609.2, NM_001374244.1, NM_001374258.1 and 7 more transcripts).
Identifiers: ClinVar variation 1765787 (VCV001765787.4), dbSNP rs2129153258, ClinGen allele CA458124849.

ClinVar aggregate classification (germline): Likely benign. Review status: criteria provided, multiple submitters, no conflicts (2 of 4 stars). 3 submissions from 3 submitters: Likely benign (2). 1 of the submissions does not count toward it. Last evaluated 2025-03-30.

Conditions:
RASopathy. Also called: Noonan spectrum disorder; rasopathies. Identifiers: Orphanet 536391, MedGen C5555857, MONDO:0021060.
BRAF-related disorder. Also called: BRAF-related condition.
Cardiovascular phenotype. Identifiers: MedGen CN230736.

Submissions (3):

Labcorp Genetics (formerly Invitae), Labcorp
Classification: Likely benign for RASopathy. Last evaluated: 2025-03-30. Review status: criteria provided, single submitter. Criteria: Invitae Variant Classification Sherloc (09022015). Collection method: clinical testing. Allele origin: germline.

Ambry Genetics
Classification: Likely benign for Cardiovascular phenotype. Last evaluated: 2021-07-30. Review status: criteria provided, single submitter. Criteria: Ambry Variant Classification Scheme 2023. Collection method: clinical testing. Allele origin: germline.

PreventionGenetics, part of Exact Sciences
Classification: Likely benign for BRAF-related condition. Last evaluated: 2024-05-23. Review status: no assertion criteria provided. Collection method: clinical testing. Allele origin: germline. Not counted in ClinVar's aggregate classification.
Comment: This variant is classified as likely benign based on ACMG/AMP sequence variant interpretation guidelines (Richards et al. 2015 PMID: 25741868, with internal and published modifications).